The following is an entry in ClinVar:

NM_001100.4(ACTA1):c.*248G>A

Gene: ACTA1 (actin alpha 1, skeletal muscle; minus strand). Cytogenetic location: 1q42.13.
Variant type: single nucleotide variant.
Coding change: c.*248G>A on transcript NM_001100.4 (MANE Select); 248 bases downstream of the stop codon, G replaced by A.
Molecular consequence: 3 prime UTR variant.
Genome position (GRCh38, 1-based): chr1:229,431,251, C>T on the plus strand (G>A on the coding strand, the complement: ACTA1 is on the minus strand). VCF-style: chr1-229431251-C-T. GRCh37 (hg19) VCF-style: chr1-229566998-C-T.
Identifiers: ClinVar variation 876668 (VCV000876668.4), dbSNP rs551585351, ClinGen allele CA38814493.

ClinVar aggregate classification (germline): Conflicting classifications of pathogenicity. Review status: criteria provided, conflicting classifications (1 of 4 stars). 3 submissions from 1 submitter: Uncertain significance (2); Benign (1). Last evaluated 2018-01-12.

Conditions:
Familial restrictive cardiomyopathy (RCM). Identifiers: Orphanet 217635, MedGen C0340429, MONDO:0016340.
Actin accumulation myopathy (CMYO2A). Also called: Myopathy, actin, congenital, with cores; Nemaline myopathy 3, with intranuclear rods; Nemaline myopathy type 3; Myopathy, actin, congenital, with excess of thin myofilaments; CONGENITAL MYOPATHY 2A, TYPICAL, AUTOSOMAL DOMINANT. Identifiers: Orphanet 98904, MedGen C3711389, MONDO:0008070, OMIM 161800.
Congenital myopathy with fiber type disproportion. Also called: Congenital fiber-type disproportion myopathy; Congenital fiber-type disproportion. Identifiers: Orphanet 2020, MedGen C0546264, MONDO:0009711. Inheritance: all.

Allele frequency attached by ClinVar (database versions not stated): 1000 Genomes Project 0.00040; 1000 Genomes Project 30x 0.00047; gnomAD 0.00161 and 0.00167; gnomAD exomes 0.00163; TOPMed 0.00168.

Submissions (3):

Illumina Laboratory Services, Illumina
Classification: Uncertain significance for Familial restrictive cardiomyopathy. Last evaluated: 2018-01-12. Review status: criteria provided, single submitter. Criteria: ICSL Variant Classification Criteria 13 December 2019. Collection method: clinical testing. Allele origin: germline.

Illumina Laboratory Services, Illumina
Classification: Benign for Congenital myopathy 4A, autosomal dominant. Last evaluated: 2018-01-12. Review status: criteria provided, single submitter. Criteria: ICSL Variant Classification Criteria 13 December 2019. Collection method: clinical testing. Allele origin: germline.
Comment: This variant was observed in the ICSL laboratory as part of a predisposition screen in an ostensibly healthy population. It had not been previously curated by ICSL or reported in the Human Gene Mutation Database (HGMD: prior to June 1st, 2018), and was therefore a candidate for classification through an automated scoring system. Utilizing variant allele frequency, disease prevalence and penetrance estimates, and inheritance mode, an automated score was calculated to assess if this variant is too frequent to cause the disease. Based on the score and internal cut-off values, a variant classified as benign is not then subjected to further curation. The score for this variant resulted in a classification of benign for this disease.

Illumina Laboratory Services, Illumina
Classification: Uncertain significance for Actin accumulation myopathy. Last evaluated: 2018-01-12. Review status: criteria provided, single submitter. Criteria: ICSL Variant Classification Criteria 13 December 2019. Collection method: clinical testing. Allele origin: germline.